The following is an entry in ClinVar:

NM_014804.3(KIAA0753):c.983C>T (p.Pro328Leu)

Gene: KIAA0753 (KIAA0753; minus strand). Cytogenetic location: 17p13.1.
Variant type: single nucleotide variant.
Coding change: c.983C>T on transcript NM_014804.3 (MANE Select); coding-DNA position 983, C replaced by T.
Protein change: p.Pro328Leu; replaces proline 328 with leucine.
Molecular consequence: missense variant. On other transcripts: non-coding transcript variant (3).
Genome position (GRCh38, 1-based): chr17:6,623,003, G>A on the plus strand (C>T on the coding strand, the complement: KIAA0753 is on the minus strand). VCF-style: chr17-6623003-G-A. GRCh37 (hg19) VCF-style: chr17-6526323-G-A.
Other names: c.86C>T, p.Pro29Leu (NM_001351225.2); short protein forms P29L, P328L.
Identifiers: ClinVar variation 1468245 (VCV001468245.6), dbSNP rs749608425, ClinGen allele CA8330634.

ClinVar aggregate classification (germline): Uncertain significance (1 of 4 stars; one submission).

Allele frequency attached by ClinVar (database versions not stated): gnomAD 0.00001; gnomAD exomes 0.00001 and 0.00002; TOPMed 0.00001; ExAC 0.00002.
gnomAD v4.1: 23 of 1,614,062 alleles (0.0014%); highest among the groups gnomAD compares: Admixed American, 0.01%; no homozygotes.

Submission:

Labcorp Genetics (formerly Invitae), Labcorp
Classification: Uncertain significance. Last evaluated: 2021-10-11. Review status: criteria provided, single submitter. Criteria: Invitae Variant Classification Sherloc (09022015). Collection method: clinical testing. Allele origin: germline.
Comment: In summary, the available evidence is currently insufficient to determine the role of this variant in disease. Therefore, it has been classified as a Variant of Uncertain Significance. Algorithms developed to predict the effect of missense changes on protein structure and function (SIFT, PolyPhen-2, Align-GVGD) all suggest that this variant is likely to be tolerated. This variant has not been reported in the literature in individuals affected with KIAA0753-related conditions. This variant is present in population databases (rs749608425, ExAC 0.03%). This sequence change replaces proline with leucine at codon 328 of the KIAA0753 protein (p.Pro328Leu). The proline residue is moderately conserved and there is a moderate physicochemical difference between proline and leucine.